The following is an entry in ClinVar:

NM_003571.4(BFSP2):c.549C>T (p.Ala183=)

Genes: BFSP2 (beaded filament structural protein 2; plus strand), BFSP2-AS1 (BFSP2 antisense RNA 1; minus strand). Cytogenetic location: 3q22.1.
Variant type: single nucleotide variant.
Coding change: c.549C>T on transcript NM_003571.4 (MANE Select); coding-DNA position 549, C replaced by T.
Protein change: p.Ala183=; no amino-acid change (alanine 183 retained).
Molecular consequence: synonymous variant.
Genome position (GRCh38, 1-based): chr3:133,447,376, C>T. VCF-style: chr3-133447376-C-T. GRCh37 (hg19) VCF-style: chr3-133166220-C-T.
Identifiers: ClinVar variation 4986299 (VCV004986299.1).
Genomic context (GRCh38, chr3:133,447,376, plus strand): 5'-GGTGGGTGAGGCAGTCTTGGAAAATGCCCGGCTCATGCTGCAGACAGAAACTATCCAGGC[C>T]GGAGCAGATGACTTTAAAGAGAGGTAATGTCTTACAGCAGAGGCGACAGTCCCTCCACAT-3'
Protein context (NP_003562.1, residues 173-193): RLMLQTETIQ[Ala183=]GADDFKERYE

ClinVar aggregate classification (germline): Likely benign (1 of 4 stars; one submission).

Conditions:
BFSP2-related disorder. Also called: BFSP2-related condition.

gnomAD v4.1: 13 of 1,613,800 alleles (0.00081%); highest among the groups gnomAD compares: Admixed American, 0.0017%; no homozygotes.

Submission:

PreventionGenetics, part of Exact Sciences
Classification: Likely benign for BFSP2-related condition. Last evaluated: 2026-09-13. Review status: criteria provided, single submitter. Criteria: ACMG Guidelines, 2015. Collection method: clinical testing. Allele origin: germline.
Comment: This variant is classified as likely benign based on ACMG/AMP sequence variant interpretation guidelines (Richards et al. 2015 PMID: 25741868, with internal and published modifications).